The following is an entry in ClinVar:

NM_014874.4(MFN2):c.1968C>G (p.Ala656=)

Gene: MFN2 (mitofusin 2; plus strand). Cytogenetic location: 1p36.22.
Variant type: single nucleotide variant.
Coding change: c.1968C>G on transcript NM_014874.4 (MANE Select); coding-DNA position 1968, C replaced by G.
Protein change: p.Ala656=; no amino-acid change (alanine 656 retained).
Molecular consequence: synonymous variant.
Genome position (GRCh38, 1-based): chr1:12,007,148, C>G. VCF-style: chr1-12007148-C-G. GRCh37 (hg19) VCF-style: chr1-12067205-C-G.
Other names: c.1968C>G, p.Ala656= (NM_001127660.2).
Identifiers: ClinVar variation 390698 (VCV000390698.11), dbSNP rs763381681, ClinGen allele CA599287.
Genomic context (GRCh38, chr1:12,007,148, plus strand): 5'-CTCCTTTGGGCTCTATGGCCTCCTCTACGTCTATGAGCGTCTGACCTGGACCACCAAGGC[C>G]AAGGAGAGGGCCTTCAAGCGCCAGTTTGTGGAGCATGCCAGCGAGAAGCTGCAGCTTGTC-3'
Protein context (NP_055689.1, residues 646-666): VYERLTWTTK[Ala656=]KERAFKRQFV

ClinVar aggregate classification (germline): Benign/Likely benign. Review status: criteria provided, multiple submitters, no conflicts (2 of 4 stars). 4 submissions from 4 submitters: Benign (1); Likely benign (3). Last evaluated 2026-07-14.

Conditions:
MFN2-related disorder. Also called: MFN2-related disorders; MFN2-related condition.
Inborn genetic diseases. Identifiers: MedGen C0950123, MeSH D030342.
Charcot-Marie-Tooth disease type 2. Also called: Charcot-Marie-Tooth type 2. Identifiers: Orphanet 64746, MedGen C0270914, MONDO:0018993.

Allele frequency attached by ClinVar (database versions not stated): gnomAD below 0.00001 and 0.00005; ExAC 0.00010; gnomAD exomes 0.00012.
gnomAD v4.1: 68 of 1,614,212 alleles (0.0042%); highest among the groups gnomAD compares: South Asian, 0.07%; 2 homozygotes.

Submissions (4):

PreventionGenetics, part of Exact Sciences
Classification: Likely benign for MFN2-related condition. Last evaluated: 2026-07-14. Review status: criteria provided, single submitter. Criteria: ACMG Guidelines, 2015. Collection method: clinical testing. Allele origin: germline.
Comment: This variant is classified as likely benign based on ACMG/AMP sequence variant interpretation guidelines (Richards et al. 2015 PMID: 25741868, with internal and published modifications).

Labcorp Genetics (formerly Invitae), Labcorp
Classification: Benign for Charcot-Marie-Tooth disease type 2. Last evaluated: 2024-08-31. Review status: criteria provided, single submitter. Criteria: Invitae Variant Classification Sherloc (09022015). Collection method: clinical testing. Allele origin: germline.

Ambry Genetics
Classification: Likely benign for Inborn genetic diseases. Last evaluated: 2019-07-11. Review status: criteria provided, single submitter. Criteria: Ambry Variant Classification Scheme 2023. Collection method: clinical testing. Allele origin: germline.

GeneDx
Classification: Likely benign. Last evaluated: 2016-11-10. Review status: criteria provided, single submitter. Criteria: GeneDx Variant Classification (06012015). Collection method: clinical testing. Allele origin: germline. Affected: yes.
Comment: This variant is considered likely benign or benign based on one or more of the following criteria: it is a conservative change, it occurs at a poorly conserved position in the protein, it is predicted to be benign by multiple in silico algorithms, and/or has population frequency not consistent with disease.